The following is an entry in ClinVar:

ClinVar aggregate classification (germline): Pathogenic (1 of 4 stars; one submission).

Conditions:
Primary ciliary dyskinesia. Also called: Ciliary dyskinesia. Identifiers: Orphanet 244, MedGen C0008780, MONDO:0016575, HP:0012265.

Allele frequency attached by ClinVar (database versions not stated): gnomAD exomes below 0.00001.
gnomAD v4.1: 1 of 1,548,600 alleles (0.000065%); highest among the groups gnomAD compares: South Asian, 0.0012%; no homozygotes.

Submission:

Labcorp Genetics (formerly Invitae), Labcorp
Classification: Pathogenic for Primary ciliary dyskinesia. Last evaluated: 2023-03-20. Review status: criteria provided, single submitter. Criteria: Invitae Variant Classification Sherloc (09022015). Collection method: clinical testing. Allele origin: germline.
Comment: This sequence change creates a premature translational stop signal (p.Gln2480*) in the DNAH11 gene. It is expected to result in an absent or disrupted protein product. Loss-of-function variants in DNAH11 are known to be pathogenic (PMID: 18022865, 20513915, 22184204). This variant is not present in population databases (gnomAD no frequency). This variant has not been reported in the literature in individuals affected with DNAH11-related conditions. For these reasons, this variant has been classified as Pathogenic.

Literature cited by the submitters: PubMed 18022865; PubMed 20513915; PubMed 22184204.

NM_001277115.2(DNAH11):c.7438C>T (p.Gln2480Ter)

Gene: DNAH11 (dynein axonemal heavy chain 11; plus strand). Cytogenetic location: 7p15.3.
Variant type: single nucleotide variant.
Coding change: c.7438C>T on transcript NM_001277115.2 (MANE Select); coding-DNA position 7438, C replaced by T.
Protein change: p.Gln2480Ter; replaces glutamine 2480 with a stop codon.
Molecular consequence: nonsense.
Genome position (GRCh38, 1-based): chr7:21,725,982, C>T. VCF-style: chr7-21725982-C-T. GRCh37 (hg19) VCF-style: chr7-21765600-C-T.
Other names: c.7459C>T, p.Gln2487Ter (NM_003777.3); short protein forms Q2480*, Q2487*.
Identifiers: ClinVar variation 3014239 (VCV003014239.3), dbSNP rs2535043136, ClinGen allele CA366946165.